The following is an entry in ClinVar:

NM_003579.4(RAD54L):c.2177C>T (p.Ala726Val)

Genes: LRRC41 (leucine rich repeat containing 41; minus strand), RAD54L (RAD54 like; plus strand). Cytogenetic location: 1p34.1.
Variant type: single nucleotide variant.
Coding change: c.2177C>T on transcript NM_003579.4 (MANE Select); coding-DNA position 2177, C replaced by T.
Protein change: p.Ala726Val; replaces alanine 726 with valine.
Molecular consequence: missense variant. On other transcripts: 3 prime UTR variant (1).
Genome position (GRCh38, 1-based): chr1:46,278,215, C>T. VCF-style: chr1-46278215-C-T. GRCh37 (hg19) VCF-style: chr1-46743887-C-T.
Other names: c.*650G>A (NM_006369.5); c.2177C>T, p.Ala726Val (NM_001142548.2); c.1637C>T, p.Ala546Val (NM_001370766.1); short protein forms A546V, A726V.
Identifiers: ClinVar variation 1787198 (VCV001787198.2), dbSNP rs2148309172, ClinGen allele CA340191401.

ClinVar aggregate classification (germline): Uncertain significance (1 of 4 stars; one submission).

Allele frequency attached by ClinVar (database versions not stated): gnomAD exomes below 0.00001.
gnomAD v4.1: 1 of 1,613,854 alleles (0.000062%); highest among the groups gnomAD compares: Non-Finnish European, 0.000085%; no homozygotes.

Submission:

Ambry Genetics
Classification: Uncertain significance. Last evaluated: 2024-03-03. Review status: criteria provided, single submitter. Criteria: Ambry Variant Classification Scheme 2023. Collection method: clinical testing. Allele origin: germline.
Comment: The p.A726V variant (also known as c.2177C>T), located in coding exon 18 of the RAD54L gene, results from a C to T substitution at nucleotide position 2177. The alanine at codon 726 is replaced by valine, an amino acid with similar properties. This amino acid position is conserved. In addition, the in silico prediction for this alteration is inconclusive. Since supporting evidence is limited at this time, the clinical significance of this alteration remains unclear.